The following is an entry in ClinVar:

NM_017760.7(NCAPG2):c.2037G>A (p.Pro679=)

Gene: NCAPG2 (non-SMC condensin II complex subunit G2; minus strand). Cytogenetic location: 7q36.3.
Variant type: single nucleotide variant.
Coding change: c.2037G>A on transcript NM_017760.7 (MANE Select); coding-DNA position 2037, G replaced by A.
Protein change: p.Pro679=; no amino-acid change (proline 679 retained).
Molecular consequence: synonymous variant. On other transcripts: non-coding transcript variant (1).
Genome position (GRCh38, 1-based): chr7:158,658,361, C>T on the plus strand (G>A on the coding strand, the complement: NCAPG2 is on the minus strand). VCF-style: chr7-158658361-C-T. GRCh37 (hg19) VCF-style: chr7-158451053-C-T.
Other names: c.2037G>A, p.Pro679= (NM_001281932.2, NM_001281933.2).
Identifiers: ClinVar variation 3905396 (VCV003905396.10).

ClinVar aggregate classification (germline): Likely benign (1 of 4 stars; one submission).

gnomAD v4.1: 51 of 1,611,028 alleles (0.0032%); highest among the groups gnomAD compares: Admixed American, 0.028%; no homozygotes.

Submission:

CeGaT Center for Human Genetics Tuebingen
Classification: Likely benign. Last evaluated: 2025-06-01. Review status: criteria provided, single submitter. Criteria: CeGaT Center For Human Genetics Tuebingen Variant Classification Criteria Version 2. Collection method: clinical testing. Allele origin: germline. Affected: yes. Observed: 1 variant allele.
Comment: NCAPG2: BP4, BP7